The following is an entry in ClinVar:

NM_004104.5(FASN):c.2304+6C>A

Gene: FASN (fatty acid synthase; minus strand). Cytogenetic location: 17q25.3.
Variant type: single nucleotide variant.
Coding change: c.2304+6C>A on transcript NM_004104.5 (MANE Select); 6 bases into the intron after coding-DNA position 2304, C replaced by A.
Molecular consequence: intron variant.
Genome position (GRCh38, 1-based): chr17:82,088,963, G>T on the plus strand (C>A on the coding strand, the complement: FASN is on the minus strand). VCF-style: chr17-82088963-G-T. GRCh37 (hg19) VCF-style: chr17-80046839-G-T.
Identifiers: ClinVar variation 3031127 (VCV003031127.2), dbSNP rs746116193, ClinGen allele CA8852848.

ClinVar aggregate classification (germline): Likely benign (0 of 4 stars; one submission).

Conditions:
FASN-related disorder. Also called: FASN-related condition.

Allele frequency attached by ClinVar (database versions not stated): gnomAD 0.00001; TOPMed 0.00001; ExAC 0.00002.
gnomAD v4.1: 23 of 1,608,842 alleles (0.0014%); highest among the groups gnomAD compares: Admixed American, 0.0034%; no homozygotes.

Submission:

PreventionGenetics, part of Exact Sciences
Classification: Likely benign for FASN-related condition. Last evaluated: 2022-01-31. Review status: no assertion criteria provided. Collection method: clinical testing. Allele origin: germline.
Comment: This variant is classified as likely benign based on ACMG/AMP sequence variant interpretation guidelines (Richards et al. 2015 PMID: 25741868, with internal and published modifications).